The following is an entry in ClinVar:

ClinVar aggregate classification (germline): Uncertain significance. Review status: criteria provided, multiple submitters, no conflicts (2 of 4 stars). 3 submissions from 3 submitters: Uncertain significance (3). Last evaluated 2025-11-03.

Conditions:
Inborn genetic diseases. Identifiers: MedGen C0950123, MeSH D030342.
X-linked severe congenital neutropenia (SCNX). Identifiers: Orphanet 86788, MedGen C1845987, MONDO:0010294, OMIM 300299.
Wiskott-Aldrich syndrome (WAS). Also called: ALDRICH SYNDROME; IMMUNODEFICIENCY 2; WISKOTT-ALDRICH SYNDROME 1; Wiskott-aldrich syndrome, somatic. Identifiers: Orphanet 906, MedGen C0043194, MONDO:0010518, OMIM 301000.
Thrombocytopenia 1. Also called: X-linked thrombocytopenia with normal platelets; X-Linked Thrombocytopenia (XLT); THROMBOCYTOPENIA, X-LINKED, 1. Identifiers: Orphanet 268322, Orphanet 852, MedGen C1839163, MONDO:0010743, OMIM 313900.

Allele frequency attached by ClinVar (database versions not stated): ExAC 0.00001; gnomAD exomes 0.00001; TOPMed 0.00002; gnomAD 0.00003.
gnomAD v4.1: 15 of 1,207,473 alleles (0.0012%); highest among the groups gnomAD compares: Admixed American, 0.0022%; no homozygotes.

Submissions (3):

Labcorp Genetics (formerly Invitae), Labcorp
Classification: Uncertain significance for Wiskott-Aldrich syndrome; X-linked severe congenital neutropenia; Thrombocytopenia 1. Last evaluated: 2025-11-03. Review status: criteria provided, single submitter. Criteria: Invitae Variant Classification Sherloc (09022015). Collection method: clinical testing. Allele origin: germline.
Comment: This sequence change replaces aspartic acid, which is acidic and polar, with glycine, which is neutral and non-polar, at codon 489 of the WAS protein (p.Asp489Gly). This variant is present in population databases (rs781858831, gnomAD 0.001%). This variant has not been reported in the literature in individuals affected with WAS-related conditions. ClinVar contains an entry for this variant (Variation ID: 2279730). Invitae Evidence Modeling of protein sequence and biophysical properties (such as structural, functional, and spatial information, amino acid conservation, physicochemical variation, residue mobility, and thermodynamic stability) indicates that this missense variant is not expected to disrupt WAS protein function with a negative predictive value of 95%. Algorithms developed to predict the effect of sequence changes on RNA splicing suggest that this variant may disrupt the consensus splice site. In summary, the available evidence is currently insufficient to determine the role of this variant in disease. Therefore, it has been classified as a Variant of Uncertain Significance.

GeneDx
Classification: Uncertain significance. Last evaluated: 2022-11-11. Review status: criteria provided, single submitter. Criteria: GeneDx Variant Classification Process June 2021. Collection method: clinical testing. Allele origin: germline. Affected: yes.
Comment: Not observed at significant frequency in large population cohorts (gnomAD); In silico analysis supports that this missense variant has a deleterious effect on protein structure/function; Has not been previously published as pathogenic or benign to our knowledge

Ambry Genetics
Classification: Uncertain significance for Inborn genetic diseases. Last evaluated: 2022-03-23. Review status: criteria provided, single submitter. Criteria: Ambry Variant Classification Scheme 2023. Collection method: clinical testing. Allele origin: germline.

NM_000377.3(WAS):c.1466A>G (p.Asp489Gly)

Gene: WAS (WASP actin nucleation promoting factor; plus strand). Cytogenetic location: Xp11.23.
Variant type: single nucleotide variant.
Coding change: c.1466A>G on transcript NM_000377.3 (MANE Select); coding-DNA position 1466, A replaced by G.
Protein change: p.Asp489Gly; replaces aspartic acid 489 with glycine.
Molecular consequence: missense variant.
Genome position (GRCh38, 1-based): chrX:48,691,119, A>G. VCF-style: chrX-48691119-A-G. GRCh37 (hg19) VCF-style: chrX-48549510-A-G.
Other names: short protein forms D489G.
Identifiers: ClinVar variation 2279730 (VCV002279730.4), dbSNP rs781858831, ClinGen allele CA10404103.
Genomic context (GRCh38, chrX:48,691,119, plus strand): 5'-GCCCCCCACCAACCTCCCAGGGCATCTTATCTTTCTCTTTCCCTCCAGACGAAGGGGAGG[A>G]CCAGGCTGGCGATGAAGATGAAGATGATGAATGGGATGACTGAGTGGCTGAGTTACTTGC-3'
Protein context (NP_000368.1, residues 479-499): RAIHSSDEGE[Asp489Gly]QAGDEDEDDE